The following is an entry in ClinVar:

NM_001369.3(DNAH5):c.7569_7570insA (p.Pro2524fs)

Gene: DNAH5 (dynein axonemal heavy chain 5; minus strand). Cytogenetic location: 5p15.2.
Variant type: Insertion.
Coding change: c.7569_7570insA on transcript NM_001369.3 (MANE Select); coding-DNA positions 7569 to 7570, A inserted.
Protein change: p.Pro2524fs; shifts the reading frame from proline 2524.
Molecular consequence: frameshift variant.
Genome position: GRCh38 VCF-style: chr5-13810098-G-GT. GRCh37 (hg19) VCF-style: chr5-13810207-G-GT.
Other names: c.7569_7570insA (NM_001369.2); short protein forms P2524fs.
Identifiers: ClinVar variation 3591770 (VCV003591770.2).

ClinVar aggregate classification (germline): Likely pathogenic. Review status: criteria provided, multiple submitters, no conflicts (2 of 4 stars). 2 submissions from 2 submitters: Likely pathogenic (2). Last evaluated 2024-10-01.

Conditions:
Primary ciliary dyskinesia. Also called: Ciliary dyskinesia. Identifiers: Orphanet 244, MedGen C0008780, MONDO:0016575, HP:0012265.
Primary ciliary dyskinesia 3. Identifiers: Orphanet 244, MedGen C1837618, MONDO:0012085, OMIM 608644.

Submissions (2):

Natera, Inc.
Classification: Likely pathogenic for Primary ciliary dyskinesia. Last evaluated: 2024-10-01. Review status: criteria provided, single submitter. Criteria: Natera Variant Classification Schema (03/2026). Collection method: clinical testing. Allele origin: germline.
Comment: The c.7569_7570insA variant in DNAH5 is a frameshift variant predicted to shift the reading frame beginning at codon 2524 and leads to a stop codon 31 codons downstream. This variant is expected to result in nonsense mediated decay, truncation, or a dysfunctional protein product. This variant is rare in the general population with a frequency below the threshold expected for the associated phenotype(s). Given the available evidence, this variant is classified as Likely Pathogenic.

Fulgent Genetics
Classification: Likely pathogenic for Primary ciliary dyskinesia 3. Last evaluated: 2024-05-15. Review status: criteria provided, single submitter. Criteria: ACMG Guidelines, 2015. Collection method: clinical testing. Allele origin: germline.